The following is an entry in ClinVar:

NM_007294.4(BRCA1):c.5333-6T>C

Gene: BRCA1 (BRCA1 DNA repair associated; minus strand). Cytogenetic location: 17q21.31.
Variant type: single nucleotide variant.
Coding change: c.5333-6T>C on transcript NM_007294.4 (MANE Select); 6 bases into the intron before coding-DNA position 5333, T replaced by C.
Molecular consequence: intron variant.
Genome position (GRCh38, 1-based): chr17:43,049,200, A>G on the plus strand (T>C on the coding strand, the complement: BRCA1 is on the minus strand). VCF-style: chr17-43049200-A-G. GRCh37 (hg19) VCF-style: chr17-41201217-A-G.
Other names: c.1880-6T>C (NM_001408458.1, NM_001408461.1, NM_001408464.1 and 7 more transcripts); c.4442-6T>C (NM_001407967.1); c.4952-6T>C (NM_001407959.1); c.5066-6T>C (NM_001407931.1, NM_001407932.1, NM_001407928.1 and 4 more transcripts); c.5189-6T>C (NM_001407747.1, NM_001407745.1, NM_001407737.1 and 18 more transcripts); c.4949-6T>C (NM_001407962.1, NM_001407960.1); c.1520-6T>C (NM_001408512.1); c.1643-6T>C (NM_001408510.1); and 84 more.
Identifiers: ClinVar variation 868015 (VCV000868015.5), dbSNP rs397509266, ClinGen allele CA626076631.

ClinVar aggregate classification (germline): Likely benign (1 of 4 stars; one submission).

Conditions:
Hereditary breast ovarian cancer syndrome. Also called: Hereditary breast and ovarian cancer; Hereditary breast and ovarian cancer syndrome (HBOC); Breast and ovarian cancer; Hereditary breast and/or ovarian cancer syndrome; BRCA1- and BRCA2-Associated Hereditary Breast and Ovarian Cancer; Hereditary breast and ovarian cancer syndrome. Identifiers: Orphanet 145, MedGen C0677776, MeSH D061325, MONDO:0003582. Disease mechanism: loss of function.

Allele frequency attached by ClinVar (database versions not stated): gnomAD exomes below 0.00001.

Submissions (2):

Labcorp Genetics (formerly Invitae), Labcorp
Classification: Likely benign for Hereditary breast ovarian cancer syndrome. Last evaluated: 2024-06-11. Review status: criteria provided, single submitter. Criteria: Invitae Variant Classification Sherloc (09022015). Collection method: clinical testing. Allele origin: germline.

Brotman Baty Institute, University of Washington
No classification provided (evidence only). Condition: Breast-ovarian cancer, familial 1. Review status: no classification provided. Collection method: in vitro. Allele origin: not applicable. Functional consequence: functionally_normal. Not counted in ClinVar's aggregate classification.
ClinVar note: "not provided" was previously submitted as the classification for the variant. However, the classification appeared to be based only on an observation of functional data so it was converted to no classification on 2025-07-30.